The following is an entry in ClinVar:

ClinVar aggregate classification (germline): Pathogenic (1 of 4 stars; one submission).

Conditions:
Developmental and epileptic encephalopathy, 11 (DEE11). Also called: Early infantile epileptic encephalopathy 11. Identifiers: Orphanet 1934, MedGen C3150987, MONDO:0013388, OMIM 613721.
Seizures, benign familial infantile, 3 (BFIS3). Also called: Familial neonatal seizures; CONVULSIONS, BENIGN FAMILIAL INFANTILE, 3. Identifiers: Orphanet 140927, Orphanet 306, MedGen C1843140, MONDO:0011904, OMIM 607745.

Submissions (2):

Labcorp Genetics (formerly Invitae), Labcorp
Classification: Pathogenic for Seizures, benign familial infantile, 3; Developmental and epileptic encephalopathy, 11. Last evaluated: 2025-08-21. Review status: criteria provided, single submitter. Criteria: Invitae Variant Classification Sherloc (09022015). Collection method: clinical testing. Allele origin: germline.
Comment: This sequence change replaces glutamic acid, which is acidic and polar, with lysine, which is basic and polar, at codon 1880 of the SCN2A protein (p.Glu1880Lys). This variant is not present in population databases (gnomAD no frequency). This missense change has been observed in individual(s) with clinical features of SCN2A-related conditions (PMID: 25533962). In at least one individual the variant was observed to be de novo. This variant is also known as 2:166245954 G>A. ClinVar contains an entry for this variant (Variation ID: 1498691). Invitae Evidence Modeling of protein sequence and biophysical properties (such as structural, functional, and spatial information, amino acid conservation, physicochemical variation, residue mobility, and thermodynamic stability) indicates that this missense variant is expected to disrupt SCN2A protein function with a positive predictive value of 95%. For these reasons, this variant has been classified as Pathogenic.

Channelopathy-Associated Epilepsy Research Center
No classification provided (evidence only). Condition: Complex neurodevelopmental disorder. Review status: no classification provided. Collection method: literature only. Allele origin: not applicable. Functional consequence: Normal peak current, Normal voltage dependence of activation, Normal slope of activation, Normal voltage dependence of fast inactivation, Normal slope of fast inactivation, Normal rate of recovery from fast inactivation, Normal recovery from slow inactivation, Moderate slowing of fast inactivation, Increase in ramp current, Normal persistent current. Not counted in ClinVar's aggregate classification.
ClinVar note: "not provided" was previously submitted as the classification for the variant. However, the classification appeared to be based only on an observation of functional data so it was converted to no classification on 2025-07-30.

Literature cited by the submitters: PubMed 25533962 (cited by Labcorp Genetics (formerly Invitae), Labcorp); PubMed 37578743 (cited by Channelopathy-Associated Epilepsy Research Center).

NM_001040142.2(SCN2A):c.5638G>A (p.Glu1880Lys)

Gene: SCN2A (sodium voltage-gated channel alpha subunit 2; plus strand). Cytogenetic location: 2q24.3.
Variant type: single nucleotide variant.
Coding change: c.5638G>A on transcript NM_001040142.2 (MANE Select); coding-DNA position 5638, G replaced by A.
Protein change: p.Glu1880Lys; replaces glutamic acid 1880 with lysine.
Molecular consequence: missense variant.
Genome position (GRCh38, 1-based): chr2:165,389,444, G>A. VCF-style: chr2-165389444-G-A. GRCh37 (hg19) VCF-style: chr2-166245954-G-A.
Other names: c.5638G>A (NM_021007.2); c.5638G>A, p.Glu1880Lys (NM_001040143.2, NM_001371246.1, NM_001371247.1 and 1 more transcripts); short protein forms E1880K.
Identifiers: ClinVar variation 1498691 (VCV001498691.10), dbSNP rs1553463772, ClinGen allele CA349039615.